The following is an entry in ClinVar:

ClinVar aggregate classification (germline): Uncertain significance (1 of 4 stars; one submission).

Allele frequency attached by ClinVar (database versions not stated): gnomAD 0.00001 and 0.00002; gnomAD exomes 0.00001; TOPMed 0.00001.
gnomAD v4.1: 22 of 1,551,318 alleles (0.0014%); highest among the groups gnomAD compares: East Asian, 0.0024%; no homozygotes.

Submission:

Labcorp Genetics (formerly Invitae), Labcorp
Classification: Uncertain significance. Last evaluated: 2021-09-17. Review status: criteria provided, single submitter. Criteria: Invitae Variant Classification Sherloc (09022015). Collection method: clinical testing. Allele origin: germline.
Comment: This sequence change replaces arginine with cysteine at codon 1397 of the LOXHD1 protein (p.Arg1397Cys). The arginine residue is highly conserved and there is a large physicochemical difference between arginine and cysteine. This variant is not present in population databases (ExAC no frequency). This variant has been observed in individual(s) with deafness (Invitae). Algorithms developed to predict the effect of missense changes on protein structure and function (SIFT, PolyPhen-2, Align-GVGD) all suggest that this variant is likely to be disruptive. In summary, the available evidence is currently insufficient to determine the role of this variant in disease. Therefore, it has been classified as a Variant of Uncertain Significance.

NM_001384474.1(LOXHD1):c.4189C>T (p.Arg1397Cys)

Gene: LOXHD1 (lipoxygenase homology PLAT domains 1; minus strand). Cytogenetic location: 18q21.1.
Variant type: single nucleotide variant.
Coding change: c.4189C>T on transcript NM_001384474.1 (MANE Select); coding-DNA position 4189, C replaced by T.
Protein change: p.Arg1397Cys; replaces arginine 1397 with cysteine.
Molecular consequence: missense variant.
Genome position (GRCh38, 1-based): chr18:46,534,358, G>A on the plus strand (C>T on the coding strand, the complement: LOXHD1 is on the minus strand). VCF-style: chr18-46534358-G-A. GRCh37 (hg19) VCF-style: chr18-44114321-G-A.
Other names: c.856C>T, p.Arg286Cys (NM_001145472.3); c.568C>T, p.Arg190Cys (NM_001308013.2); c.4189C>T, p.Arg1397Cys (NM_144612.7); short protein forms R190C, R1397C, R286C.
Identifiers: ClinVar variation 1441595 (VCV001441595.5), dbSNP rs1318962987, ClinGen allele CA402375598.